The following is an entry in ClinVar:

NM_000152.5(GAA):c.1036G>C (p.Glu346Gln)

Gene: GAA (alpha glucosidase; plus strand). Cytogenetic location: 17q25.3.
Variant type: single nucleotide variant.
Coding change: c.1036G>C on transcript NM_000152.5 (MANE Select); coding-DNA position 1036, G replaced by C.
Protein change: p.Glu346Gln; replaces glutamic acid 346 with glutamine.
Molecular consequence: missense variant.
Genome position (GRCh38, 1-based): chr17:80,108,370, G>C. VCF-style: chr17-80108370-G-C. GRCh37 (hg19) VCF-style: chr17-78082169-G-C.
Other names: c.1036G>C, p.Glu346Gln (NM_001079803.3, NM_001079804.3, NM_001406741.1 and 1 more transcripts); short protein forms E346Q.
Identifiers: ClinVar variation 2198416 (VCV002198416.1), dbSNP rs1267253122, ClinGen allele CA401364670.

ClinVar aggregate classification (germline): Uncertain significance (1 of 4 stars; one submission).

Conditions:
Glycogen storage disease, type II (IOPD). Also called: Glucosidase acid-1,4-alpha deficiency; Pompe Disease; POMPE DISEASE, INFANTILE-ONSET; GLYCOGEN STORAGE DISEASE II, INFANTILE-ONSET; ACID ALPHA-GLUCOSIDASE DEFICIENCY, INFANTILE-ONSET; GAA DEFICIENCY, INFANTILE-ONSET. Identifiers: Orphanet 365, MedGen C0017921, MONDO:0009290, OMIM 232300.

Allele frequency attached by ClinVar (database versions not stated): gnomAD exomes below 0.00001; TOPMed below 0.00001.
gnomAD v4.1: 2 of 1,613,574 alleles (0.00012%); highest among the groups gnomAD compares: African/African-American, 0.0027%; no homozygotes.

Submission:

Labcorp Genetics (formerly Invitae), Labcorp
Classification: Uncertain significance for Glycogen storage disease, type II. Last evaluated: 2022-06-23. Review status: criteria provided, single submitter. Criteria: Invitae Variant Classification Sherloc (09022015). Collection method: clinical testing. Allele origin: germline.
Comment: This sequence change replaces glutamic acid, which is acidic and polar, with glutamine, which is neutral and polar, at codon 346 of the GAA protein (p.Glu346Gln). This variant is present in population databases (no rsID available, gnomAD 0.007%). This variant has not been reported in the literature in individuals affected with GAA-related conditions. Advanced modeling of protein sequence and biophysical properties (such as structural, functional, and spatial information, amino acid conservation, physicochemical variation, residue mobility, and thermodynamic stability) performed at Invitae indicates that this missense variant is not expected to disrupt GAA protein function. In summary, the available evidence is currently insufficient to determine the role of this variant in disease. Therefore, it has been classified as a Variant of Uncertain Significance.